The following is an entry in ClinVar:

NM_000264.5(PTCH1):c.187G>C (p.Glu63Gln)

Gene: PTCH1 (patched 1; minus strand). Cytogenetic location: 9q22.32.
Variant type: single nucleotide variant.
Coding change: c.187G>C on transcript NM_000264.5 (MANE Select); coding-DNA position 187, G replaced by C.
Protein change: p.Glu63Gln; replaces glutamic acid 63 with glutamine.
Molecular consequence: missense variant. On other transcripts: non-coding transcript variant (1), intron variant (3).
Genome position (GRCh38, 1-based): chr9:95,508,175, C>G on the plus strand (G>C on the coding strand, the complement: PTCH1 is on the minus strand). VCF-style: chr9-95508175-C-G. GRCh37 (hg19) VCF-style: chr9-98270457-C-G.
Other names: c.187G>C (NM_000264.3); c.187G>C, p.Glu63Gln (NM_001354918.2); c.199-1576G>C (NM_001083603.3); c.4-1576G>C (NM_001083602.3, NM_001354919.2); short protein forms E63Q.
Identifiers: ClinVar variation 1056864 (VCV001056864.13), dbSNP rs781768965, ClinGen allele CA5139031.
Genomic context (GRCh38, chr9:95,508,175, plus strand): 5'-GTTAGAGGAGGGAAGAGAAAGTGGGAGGAGAGAGTCTGAAATGCACCTTGGAAATCTGCT[C>G]CAGAGCGAAGGCGGCGTCGCAGTAGCTGGGCCGGTGCAGATAGTCCCGGTCCGGCGCGGC-3'
Protein context (NP_000255.2, residues 53-73): PSYCDAAFAL[Glu63Gln]QISKGKATGR

ClinVar aggregate classification (germline): Conflicting classifications of pathogenicity. Review status: criteria provided, conflicting classifications (1 of 4 stars). 2 submissions from 2 submitters: Uncertain significance (1); Likely benign (1). Last evaluated 2024-04-30.

Conditions:
Gorlin syndrome. Also called: Basal cell nevus syndrome; Nevoid Basal Cell Carcinoma Syndrome. Identifiers: Orphanet 377, MedGen C0004779, MONDO:0007187.
Hereditary cancer-predisposing syndrome. Also called: Tumor predisposition; Neoplastic Syndromes, Hereditary; Hereditary Cancer Syndrome; Hereditary neoplastic syndrome. Identifiers: Orphanet 140162, MedGen C0027672, MeSH D009386, MONDO:0015356.

Allele frequency attached by ClinVar (database versions not stated): gnomAD exomes below 0.00001; ExAC 0.00001.
gnomAD v4.1: 3 of 1,612,756 alleles (0.00019%); highest among the groups gnomAD compares: Non-Finnish European, 0.00017%; no homozygotes.

Submissions (2):

Labcorp Genetics (formerly Invitae), Labcorp
Classification: Likely benign for Gorlin syndrome. Last evaluated: 2024-04-30. Review status: criteria provided, single submitter. Criteria: Invitae Variant Classification Sherloc (09022015). Collection method: clinical testing. Allele origin: germline.

Ambry Genetics
Classification: Uncertain significance for Hereditary cancer-predisposing syndrome. Last evaluated: 2024-02-23. Review status: criteria provided, single submitter. Criteria: Ambry Variant Classification Scheme 2023. Collection method: clinical testing. Allele origin: germline.
Comment: The p.E63Q variant (also known as c.187G>C), located in coding exon 1 of the PTCH1 gene, results from a G to C substitution at nucleotide position 187. The glutamic acid at codon 63 is replaced by glutamine, an amino acid with highly similar properties. This amino acid position is conserved. In addition, this alteration is predicted to be tolerated by in silico analysis. Based on the available evidence, the clinical significance of this alteration remains unclear.